The following is an entry in ClinVar:

NM_001089.3(ABCA3):c.3319G>A (p.Ala1107Thr)

Gene: ABCA3 (ATP binding cassette subfamily A member 3; minus strand). Cytogenetic location: 16p13.3.
Variant type: single nucleotide variant.
Coding change: c.3319G>A on transcript NM_001089.3 (MANE Select); coding-DNA position 3319, G replaced by A.
Protein change: p.Ala1107Thr; replaces alanine 1107 with threonine.
Molecular consequence: missense variant.
Genome position (GRCh38, 1-based): chr16:2,285,606, C>T on the plus strand (G>A on the coding strand, the complement: ABCA3 is on the minus strand). VCF-style: chr16-2285606-C-T. GRCh37 (hg19) VCF-style: chr16-2335607-C-T.
Other names: short protein forms A1107T.
Identifiers: ClinVar variation 5003998 (VCV005003998.1).
Genomic context (GRCh38, chr16:2,285,606, plus strand): 5'-CCTGCACGGCCCTCTCGCTGACCGCCAGGATGGAGAACGTGCTGGCCAAGAATGCCATGG[C>T]GAAGAGCAGGTTGAGGGCAATGTCGAATCCCTTCCGGCCCCTGCGGGGGACAGAGAAGGT-3'
Protein context (NP_001080.2, residues 1097-1117): GFDIALNLLF[Ala1107Thr]MAFLASTFSI

ClinVar aggregate classification (germline): Uncertain significance (1 of 4 stars; one submission).

Conditions:
Interstitial lung disease due to ABCA3 deficiency. Also called: PULMONARY ALVEOLAR PROTEINOSIS, CONGENITAL, 3. Identifiers: Orphanet 440402, MedGen C1970456, MONDO:0012582, OMIM 610921.

gnomAD v4.1: 18 of 1,557,182 alleles (0.0012%); highest among the groups gnomAD compares: Admixed American, 0.0019%; no homozygotes.

Submission:

Myriad Genetics, Inc.
Classification: Uncertain significance for Interstitial lung disease due to ABCA3 deficiency. Last evaluated: 2026-01-23. Review status: criteria provided, single submitter. Criteria: Myriad Autosomal Dominant, Autosomal Recessive and X-Linked Classification Criteria (2023). Collection method: clinical testing. Allele origin: unknown.
Comment: NM_001089.2(ABCA3):c.3319G>A(A1107T) is a missense variant classified as a variant of uncertain significance in the context of surfactant deficiency, ABCA3-related. A1107T has been observed in a case with relevant disease (PMID: 24871971). Relevant functional assessments of this variant are not available in the literature. A1107T has been observed in referenced population frequency databases. In summary, there is insufficient evidence to classify NM_001089.2(ABCA3):c.3319G>A(A1107T) as pathogenic or benign. Please note: this variant was assessed in the context of healthy population screening.

Literature cited by the submitters: PubMed 24871971.